The following is an entry in ClinVar:

NM_006580.4(CLDN16):c.*1117G>A

Gene: CLDN16 (claudin 16; plus strand). Cytogenetic location: 3q28.
Variant type: single nucleotide variant.
Coding change: c.*1117G>A on transcript NM_006580.4 (MANE Select); 1117 bases downstream of the stop codon, G replaced by A.
Molecular consequence: 3 prime UTR variant.
Genome position (GRCh38, 1-based): chr3:190,411,153, G>A. VCF-style: chr3-190411153-G-A. GRCh37 (hg19) VCF-style: chr3-190128942-G-A.
Other names: c.*1117G>A (NM_001378492.1, NM_001378493.1).
Identifiers: ClinVar variation 344463 (VCV000344463.6), dbSNP rs10470534, ClinGen allele CA10617874.
Genomic context (GRCh38, chr3:190,411,153, plus strand): 5'-TCTACTAAAAATACAAAAATTAGCCGGGCGTGGTGGCGGTGCCTGTAGTCCCAGCTACTC[G>A]GGAGGCTGAGGCAGGAGAATCGTTTGAACCCAGGAGGTGGAGGTTGCAGTGAGCGGAGAT-3'

ClinVar aggregate classification (germline): Benign. Review status: criteria provided, multiple submitters, no conflicts (2 of 4 stars). 2 submissions from 2 submitters: Benign (2). Last evaluated 2018-01-13.

Conditions:
Primary hypomagnesemia (HOMG3). Also called: HYPOMAGNESEMIA 3, RENAL; HYPOMAGNESEMIA, FAMILIAL, WITH HYPERCALCIURIA AND NEPHROCALCINOSIS; HYPOMAGNESEMIA, ISOLATED RENAL; HYPOMAGNESEMIA, PRIMARY, DUE TO DEFECT IN RENAL TUBULAR TRANSPORT OF MAGNESIUM. Identifiers: Orphanet 31043, MedGen C0268448, MONDO:0009550, OMIM 248250.

Allele frequency attached by ClinVar (database versions not stated): 1000 Genomes Project 0.11462; 1000 Genomes Project 30x 0.11602; TOPMed 0.16785; gnomAD 0.17520 and 0.17644; gnomAD exomes 0.26136.
gnomAD v4.1: 26,746 of 152,090 alleles (18%); highest among the groups gnomAD compares: Middle Eastern, 27%; 2,734 homozygotes.

Submissions (2):

Illumina Laboratory Services, Illumina
Classification: Benign for Primary hypomagnesemia. Last evaluated: 2018-01-13. Review status: criteria provided, single submitter. Criteria: ICSL Variant Classification Criteria 13 December 2019. Collection method: clinical testing. Allele origin: germline.
Comment: This variant was observed in the ICSL laboratory as part of a predisposition screen in an ostensibly healthy population. It had not been previously curated by ICSL or reported in the Human Gene Mutation Database (HGMD: prior to June 1st, 2018), and was therefore a candidate for classification through an automated scoring system. Utilizing variant allele frequency, disease prevalence and penetrance estimates, and inheritance mode, an automated score was calculated to assess if this variant is too frequent to cause the disease. Based on the score and internal cut-off values, a variant classified as benign is not then subjected to further curation. The score for this variant resulted in a classification of benign for this disease.

Breakthrough Genomics
Classification: Benign. Review status: criteria provided, single submitter. Criteria: ACMG Guidelines, 2015. Collection method: not provided. Allele origin: germline. Inheritance: Autosomal recessive inheritance. Affected: yes.